The following is an entry in ClinVar:

NM_000135.4(FANCA):c.1927C>G (p.Pro643Ala)

Gene: FANCA (FA complementation group A; minus strand). Cytogenetic location: 16q24.3.
Variant type: single nucleotide variant.
Coding change: c.1927C>G on transcript NM_000135.4 (MANE Select); coding-DNA position 1927, C replaced by G.
Protein change: p.Pro643Ala; replaces proline 643 with alanine.
Molecular consequence: missense variant.
Genome position (GRCh38, 1-based): chr16:89,773,358, G>C on the plus strand (C>G on the coding strand, the complement: FANCA is on the minus strand). VCF-style: chr16-89773358-G-C. GRCh37 (hg19) VCF-style: chr16-89839766-G-C.
Other names: c.1927C>G (LRG_495t1, NM_000135.3); c.1927C>G, p.Pro643Ala (NM_001286167.3); short protein forms P643A.
Identifiers: ClinVar variation 134247 (VCV000134247.35), dbSNP rs17232910, ClinGen allele CA159254.
Genomic context (GRCh38, chr16:89,773,358, plus strand): 5'-AGGCTCTCAGCTCTCCCAGTGCAGCTGTGAGCTGTCCCAGGGGCTCCTCAGCAGAGTTGG[G>C]TTCTGCCCTCACTCCCAGGGCTGCATCTGTGAGAAGAAGGAAGAAACCAGATGGAAAGAC-3'
Protein context (NP_000126.2, residues 633-653): EDAALGVRAE[Pro643Ala]NSAEEPLGQL

ClinVar aggregate classification (germline): Benign/Likely benign. Review status: criteria provided, multiple submitters, no conflicts (2 of 4 stars). 13 submissions from 13 submitters: Benign (9); Likely benign (2). 2 of the submissions do not count toward it. Last evaluated 2026-06-26.

Conditions:
Fanconi anemia (FA). Also called: Fanconi's anemia. Identifiers: Orphanet 84, MedGen C0015625, MeSH D005199, MONDO:0019391.
Fanconi anemia complementation group A (FANCA). Also called: Fanconi anemia, group A; FANCA-Related Fanconi Anemia. Identifiers: Orphanet 84, MedGen C3469521, MONDO:0009215, OMIM 227650.

Allele frequency attached by ClinVar (database versions not stated): ESP Exome Variant Server 0.04766; ExAC 0.05222; TOPMed 0.05802; gnomAD 0.05919 and 0.06051; gnomAD exomes 0.06773 and 0.07979; 1000 Genomes Project 30x 0.06996; 1000 Genomes Project 0.07408.
gnomAD v4.1: 120,997 of 1,550,812 alleles (7.8%); highest among the groups gnomAD compares: East Asian, 17%; 5,683 homozygotes.

Submissions (13):

Women's Health and Genetics/Laboratory Corporation of America, LabCorp
Classification: Likely benign. Last evaluated: 2026-06-26. Review status: criteria provided, single submitter. Criteria: LabCorp Variant Classification Summary - May 2015. Collection method: clinical testing. Allele origin: germline.

Labcorp Genetics (formerly Invitae), Labcorp
Classification: Benign for Fanconi anemia. Last evaluated: 2026-02-04. Review status: criteria provided, single submitter. Criteria: Invitae Variant Classification Sherloc (09022015). Collection method: clinical testing. Allele origin: germline.

ARUP Laboratories, Molecular Genetics and Genomics, ARUP Laboratories
Classification: Benign for Fanconi anemia complementation group A. Last evaluated: 2025-07-28. Review status: criteria provided, single submitter. Criteria: ARUP Molecular Germline Variant Investigation Process 2024. Collection method: clinical testing. Allele origin: germline.

GeneKor MSA
Classification: Benign for Fanconi anemia complementation group A. Last evaluated: 2025-07-10. Review status: criteria provided, single submitter. Criteria: ACMG Guidelines, 2015. Collection method: clinical testing. Allele origin: germline.

Blueprint Genetics
Classification: Likely benign. Last evaluated: 2024-11-27. Review status: criteria provided, single submitter. Criteria: ACMG Guidelines, 2015. Collection method: clinical testing. Allele origin: germline.

KCCC/NGS Laboratory, Kuwait Cancer Control Center
Classification: Benign for Fanconi anemia complementation group A. Last evaluated: 2023-07-07. Review status: criteria provided, single submitter. Criteria: ACMG Guidelines, 2015. Collection method: clinical testing. Allele origin: germline. Affected: yes.

Mayo Clinic Laboratories, Mayo Clinic
Classification: Benign. Last evaluated: 2022-09-06. Review status: criteria provided, single submitter. Criteria: ACMG Guidelines, 2015. Collection method: clinical testing. Allele origin: germline. Observed: 192 variant alleles.

GeneDx
Classification: Benign. Last evaluated: 2019-02-06. Review status: criteria provided, single submitter. Criteria: GeneDx Variant Classification Process June 2021. Collection method: clinical testing. Allele origin: germline. Affected: yes.

Illumina Laboratory Services, Illumina
Classification: Benign for Fanconi anemia complementation group A. Last evaluated: 2018-01-12. Review status: criteria provided, single submitter. Criteria: ICSL Variant Classification Criteria 13 December 2019. Collection method: clinical testing. Allele origin: germline.
Comment: This variant was observed in the ICSL laboratory as part of a predisposition screen in an ostensibly healthy population. It had not been previously curated by ICSL or reported in the Human Gene Mutation Database (HGMD: prior to June 1st, 2018), and was therefore a candidate for classification through an automated scoring system. Utilizing variant allele frequency, disease prevalence and penetrance estimates, and inheritance mode, an automated score was calculated to assess if this variant is too frequent to cause the disease. Based on the score and internal cut-off values, a variant classified as benign is not then subjected to further curation. The score for this variant resulted in a classification of benign for this disease.

Breakthrough Genomics
Classification: Benign. Review status: criteria provided, single submitter. Criteria: ACMG Guidelines, 2015. Collection method: not provided. Allele origin: germline. Inheritance: Autosomal recessive inheritance. Affected: yes.

PreventionGenetics, part of Exact Sciences
Classification: Benign. Review status: criteria provided, single submitter. Criteria: ACMG Guidelines, 2015. Collection method: clinical testing. Allele origin: germline.

Natera, Inc.
Classification: Benign for Fanconi anemia, group A. Last evaluated: 2020-09-16. Review status: no assertion criteria provided. Collection method: clinical testing. Allele origin: germline. Not counted in ClinVar's aggregate classification.

ITMI
No classification provided. Condition: AllHighlyPenetrant. Last evaluated: 2013-09-19. Review status: no classification provided. Collection method: reference population. Allele origin: germline. Not counted in ClinVar's aggregate classification.
Comment: Please see associated publication for description of ethnicities

Literature cited by the submitters: PubMed 24728327 (cited by ITMI).